The following is an entry in ClinVar:

NM_203446.3(SYNJ1):c.2542C>T (p.His848Tyr)

Gene: SYNJ1 (synaptojanin 1; minus strand). Cytogenetic location: 21q22.11.
Variant type: single nucleotide variant.
Coding change: c.2542C>T on transcript NM_203446.3 (MANE Select); coding-DNA position 2542, C replaced by T.
Protein change: p.His848Tyr; replaces histidine 848 with tyrosine.
Molecular consequence: missense variant.
Genome position (GRCh38, 1-based): chr21:32,657,040, G>A on the plus strand (C>T on the coding strand, the complement: SYNJ1 is on the minus strand). VCF-style: chr21-32657040-G-A. GRCh37 (hg19) VCF-style: chr21-34029350-G-A.
Other names: c.2542C>T, p.His848Tyr (NM_001160302.2); c.2527C>T, p.His843Tyr (NM_001160306.2); c.2659C>T, p.His887Tyr (NM_003895.4); short protein forms H843Y, H848Y, H887Y.
Identifiers: ClinVar variation 3730900 (VCV003730900.2).
Genomic context (GRCh38, chr21:32,657,040, plus strand): 5'-AGAAAAACTGAGACTGCTTAAACCTGTGGTCAGAAGTCTTCAGCTCAGCTCTTCCATAGT[G>A]CAGCAAAGTGCCTGGAGTCCACGTGTACAGAATTTTGCTTTCATCTTGAAAACTAGCATT-3'
Protein context (NP_982271.3, residues 838-858): LYTWTPGTLL[His848Tyr]YGRAELKTSD

ClinVar aggregate classification (germline): Uncertain significance. Review status: criteria provided, multiple submitters, no conflicts (2 of 4 stars). 2 submissions from 2 submitters: Uncertain significance (2). Last evaluated 2025-10-01.

gnomAD v4.1: 97 of 1,614,052 alleles (0.006%); highest among the groups gnomAD compares: Non-Finnish European, 0.0011%; no homozygotes.

Submissions (2):

GeneDx
Classification: Uncertain significance. Last evaluated: 2025-10-01. Review status: criteria provided, single submitter. Criteria: GeneDx Variant Classification Process June 2021. Collection method: clinical testing. Allele origin: germline.
Comment: In silico analysis indicates that this missense variant does not alter protein structure/function; Has not been previously published as pathogenic or benign to our knowledge

Blueprint Genetics
Classification: Uncertain significance. Last evaluated: 2020-08-19. Review status: criteria provided, single submitter. Criteria: ACMG Guidelines, 2015. Collection method: clinical testing. Allele origin: germline.